The following is an entry in ClinVar:

NM_002907.4(RECQL):c.694A>G (p.Arg232Gly)

Gene: RECQL (RecQ like helicase; minus strand). Cytogenetic location: 12p12.1.
Variant type: single nucleotide variant.
Coding change: c.694A>G on transcript NM_002907.4 (MANE Select); coding-DNA position 694, A replaced by G.
Protein change: p.Arg232Gly; replaces arginine 232 with glycine.
Molecular consequence: missense variant.
Genome position (GRCh38, 1-based): chr12:21,483,382, T>C on the plus strand (A>G on the coding strand, the complement: RECQL is on the minus strand). VCF-style: chr12-21483382-T-C. GRCh37 (hg19) VCF-style: chr12-21636316-T-C.
Other names: c.694A>G, p.Arg232Gly (NM_032941.3); short protein forms R232G.
Identifiers: ClinVar variation 1485380 (VCV001485380.9), dbSNP rs747710330, ClinGen allele CA6479011.

ClinVar aggregate classification (germline): Uncertain significance. Review status: criteria provided, multiple submitters, no conflicts (2 of 4 stars). 2 submissions from 2 submitters: Uncertain significance (2). Last evaluated 2025-08-29.

Allele frequency attached by ClinVar (database versions not stated): gnomAD exomes below 0.00001; ExAC 0.00001.
gnomAD v4.1: 2 of 1,600,782 alleles (0.00012%); highest among the groups gnomAD compares: Non-Finnish European, 0.00017%; no homozygotes.

Submissions (2):

Ambry Genetics
Classification: Uncertain significance. Last evaluated: 2025-08-29. Review status: criteria provided, single submitter. Criteria: Ambry Variant Classification Scheme 2023. Collection method: clinical testing. Allele origin: germline.
Comment: The p.R232G variant (also known as c.694A>G), located in coding exon 5 of the RECQL gene, results from an A to G substitution at nucleotide position 694. The arginine at codon 232 is replaced by glycine, an amino acid with dissimilar properties. This amino acid position is highly conserved in available vertebrate species. In addition, this alteration is predicted to be deleterious by in silico analysis. The evidence for this gene-disease relationship is limited; therefore, the clinical significance of this alteration is unclear.

Labcorp Genetics (formerly Invitae), Labcorp
Classification: Uncertain significance. Last evaluated: 2025-05-12. Review status: criteria provided, single submitter. Criteria: Invitae Variant Classification Sherloc (09022015). Collection method: clinical testing. Allele origin: germline.
Comment: This sequence change replaces arginine, which is basic and polar, with glycine, which is neutral and non-polar, at codon 232 of the RECQL protein (p.Arg232Gly). The frequency data for this variant in the population databases is considered unreliable, as metrics indicate poor data quality at this position in the gnomAD database. This variant has not been reported in the literature in individuals affected with RECQL-related conditions. ClinVar contains an entry for this variant (Variation ID: 1485380). Invitae Evidence Modeling of protein sequence and biophysical properties (such as structural, functional, and spatial information, amino acid conservation, physicochemical variation, residue mobility, and thermodynamic stability) indicates that this missense variant is expected to disrupt RECQL protein function with a positive predictive value of 80%. In summary, the available evidence is currently insufficient to determine the role of this variant in disease. Therefore, it has been classified as a Variant of Uncertain Significance.